The following is an entry in ClinVar:

ClinVar aggregate classification (germline): Uncertain significance (1 of 4 stars; one submission).

Allele frequency attached by ClinVar (database versions not stated): gnomAD 0.00001; ESP Exome Variant Server 0.00008.
gnomAD v4.1: 5 of 1,610,018 alleles (0.00031%); highest among the groups gnomAD compares: East Asian, 0.0022%; no homozygotes.

Submission:

Labcorp Genetics (formerly Invitae), Labcorp
Classification: Uncertain significance. Last evaluated: 2022-03-18. Review status: criteria provided, single submitter. Criteria: Invitae Variant Classification Sherloc (09022015). Collection method: clinical testing. Allele origin: germline.
Comment: This sequence change replaces alanine, which is neutral and non-polar, with valine, which is neutral and non-polar, at codon 57 of the CPLX1 protein (p.Ala57Val). This variant is present in population databases (rs376139437, gnomAD 0.004%). This variant has not been reported in the literature in individuals affected with CPLX1-related conditions. Algorithms developed to predict the effect of missense changes on protein structure and function (SIFT, PolyPhen-2, Align-GVGD) all suggest that this variant is likely to be disruptive. In summary, the available evidence is currently insufficient to determine the role of this variant in disease. Therefore, it has been classified as a Variant of Uncertain Significance.

NM_006651.4(CPLX1):c.170C>T (p.Ala57Val)

Genes: CPLX1 (complexin 1; minus strand), CPLX1-AS1 (CPLX1 antisense RNA 1; plus strand). Cytogenetic location: 4p16.3.
Variant type: single nucleotide variant.
Coding change: c.170C>T on transcript NM_006651.4 (MANE Select); coding-DNA position 170, C replaced by T.
Protein change: p.Ala57Val; replaces alanine 57 with valine.
Molecular consequence: missense variant.
Genome position (GRCh38, 1-based): chr4:792,470, G>A on the plus strand (C>T on the coding strand, the complement: CPLX1 is on the minus strand). VCF-style: chr4-792470-G-A. GRCh37 (hg19) VCF-style: chr4-786258-G-A.
Other names: short protein forms A57V.
Identifiers: ClinVar variation 1960003 (VCV001960003.5), dbSNP rs376139437, ClinGen allele CA2796979.
Genomic context (GRCh38, chr4:792,470, plus strand): 5'-GGCGGGGCCGGCCCGGCGCGCACCTTGTCTCGGATGCCCTGGCGCACGGCCTCGCGCTCC[G>A]CCTCCATCTTGGCGTACTTGGCCTTGCGCTCCTCCTCCGCCTGGCGCAGCGCCTCCTGCC-3'
Protein context (NP_006642.1, residues 47-67): ERKAKYAKME[Ala57Val]EREAVRQGIR